The following is an entry in ClinVar:

NM_021830.5(TWNK):c.1232C>T (p.Thr411Met)

Gene: TWNK (twinkle mtDNA helicase; plus strand). Cytogenetic location: 10q24.31.
Variant type: single nucleotide variant.
Coding change: c.1232C>T on transcript NM_021830.5 (MANE Select); coding-DNA position 1232, C replaced by T.
Protein change: p.Thr411Met; replaces threonine 411 with methionine.
Molecular consequence: missense variant. On other transcripts: non-coding transcript variant (4), intron variant (3).
Genome position (GRCh38, 1-based): chr10:100,989,442, C>T. VCF-style: chr10-100989442-C-T. GRCh37 (hg19) VCF-style: chr10-102749199-C-T.
Other names: c.1232C>T, p.Thr411Met (NM_001163812.2); c.-119-202C>T (NM_001163814.2, NM_001163813.2); c.-57-264C>T (NM_001368275.1); short protein forms T411M.
Identifiers: ClinVar variation 694437 (VCV000694437.1), dbSNP rs1451037596, ClinGen allele CA378210164.

ClinVar aggregate classification (germline): Likely pathogenic (1 of 4 stars; one submission).

Conditions:
mitochondrial hepatopathy. Identifiers: MedGen C1328348.

Allele frequency attached by ClinVar (database versions not stated): gnomAD exomes below 0.00001; gnomAD 0.00001.
gnomAD v4.1: 3 of 1,613,802 alleles (0.00019%); highest among the groups gnomAD compares: Non-Finnish European, 0.00025%; no homozygotes.

Submission:

Laboratory of Inherited Metabolic Diseases, Research centre for medical genetics
Classification: Likely pathogenic for Mitochondrial hepatopathy. Last evaluated: 2019-07-17. Review status: criteria provided, single submitter. Criteria: ACMG Guidelines, 2015. Collection method: clinical testing. Allele origin: maternal. Inheritance: Autosomal recessive inheritance. Affected: yes.
Comment: found in compound heterozygous with c.1523A>G (p.Y508C)